The following is an entry in ClinVar:

NM_000465.4(BARD1):c.1028C>G (p.Thr343Ser)

Gene: BARD1 (BRCA1 associated RING domain 1; minus strand). Cytogenetic location: 2q35.
Variant type: single nucleotide variant.
Coding change: c.1028C>G on transcript NM_000465.4 (MANE Select); coding-DNA position 1028, C replaced by G.
Protein change: p.Thr343Ser; replaces threonine 343 with serine.
Molecular consequence: missense variant. On other transcripts: non-coding transcript variant (2), intron variant (3).
Genome position (GRCh38, 1-based): chr2:214,780,846, G>C on the plus strand (C>G on the coding strand, the complement: BARD1 is on the minus strand). VCF-style: chr2-214780846-G-C. GRCh37 (hg19) VCF-style: chr2-215645570-G-C.
Other names: c.1028C>G (NM_000465.2); c.971C>G, p.Thr324Ser (NM_001282543.2); c.159-28291C>G (NM_001282548.2); c.215+16215C>G (NM_001282545.2); c.364+11451C>G (NM_001282549.2); short protein forms T343S, T324S.
Identifiers: ClinVar variation 575775 (VCV000575775.17), dbSNP rs201032007, ClinGen allele CA350454277.

ClinVar aggregate classification (germline): Uncertain significance. Review status: criteria provided, multiple submitters, no conflicts (2 of 4 stars). 4 submissions from 4 submitters: Uncertain significance (4). Last evaluated 2026-06-29.

Conditions:
Hereditary cancer-predisposing syndrome. Also called: Neoplastic Syndromes, Hereditary; Hereditary Cancer Syndrome; Hereditary neoplastic syndrome; Tumor predisposition. Identifiers: Orphanet 140162, MedGen C0027672, MeSH D009386, MONDO:0015356.
Familial cancer of breast. Also called: hereditary breast carcinoma; BREAST CANCER, FAMILIAL; Hereditary breast cancer. Identifiers: Orphanet 227535, MedGen C0346153, MONDO:0016419, OMIM 114480. Disease mechanism: loss of function.

gnomAD v4.1: 1 of 1,613,982 alleles (0.000062%); highest among the groups gnomAD compares: African/African-American, 0.0013%; no homozygotes.

Submissions (4):

Ambry Genetics
Classification: Uncertain significance for Hereditary cancer-predisposing syndrome. Last evaluated: 2026-06-29. Review status: criteria provided, single submitter. Criteria: Ambry Variant Classification Scheme 2023. Collection method: clinical testing. Allele origin: germline.
Comment: The p.T343S variant (also known as c.1028C>G), located in coding exon 4 of the BARD1 gene, results from a C to G substitution at nucleotide position 1028. The threonine at codon 343 is replaced by serine, an amino acid with similar properties. This amino acid position is not well conserved in available vertebrate species. In addition, this alteration is predicted to be tolerated by in silico analysis. Based on the available evidence, the clinical significance of this variant remains unclear.

Labcorp Genetics (formerly Invitae), Labcorp
Classification: Uncertain significance for Familial cancer of breast. Last evaluated: 2025-11-17. Review status: criteria provided, single submitter. Criteria: Invitae Variant Classification Sherloc (09022015). Collection method: clinical testing. Allele origin: germline.
Comment: This sequence change replaces threonine, which is neutral and polar, with serine, which is neutral and polar, at codon 343 of the BARD1 protein (p.Thr343Ser). This variant is not present in population databases (gnomAD no frequency). This variant has not been reported in the literature in individuals affected with BARD1-related conditions. ClinVar contains an entry for this variant (Variation ID: 575775). An algorithm developed to predict the effect of missense changes on protein structure and function (PolyPhen-2) suggests that this variant is likely to be tolerated. In summary, the available evidence is currently insufficient to determine the role of this variant in disease. Therefore, it has been classified as a Variant of Uncertain Significance.

GeneDx
Classification: Uncertain significance. Last evaluated: 2024-08-07. Review status: criteria provided, single submitter. Criteria: GeneDx Variant Classification Process June 2021. Collection method: clinical testing. Allele origin: germline. Affected: yes.
Comment: Not observed at significant frequency in large population cohorts (gnomAD); In silico analysis indicates that this missense variant does not alter protein structure/function; Has not been previously published as pathogenic or benign to our knowledge

Color Diagnostics, LLC DBA Color Health
Classification: Uncertain significance for Hereditary cancer-predisposing syndrome. Last evaluated: 2023-07-20. Review status: criteria provided, single submitter. Criteria: ACMG Guidelines, 2015. Collection method: clinical testing. Allele origin: germline.
Comment: This missense variant replaces threonine with serine at codon 343 of the BARD1 protein. Computational prediction suggests that this variant may not impact protein structure and function (internally defined REVEL score threshold <= 0.5, PMID: 27666373). To our knowledge, functional studies have not been reported for this variant. This variant has not been reported in individuals affected with BARD1-related disorders in the literature. This variant has not been identified in the general population by the Genome Aggregation Database (gnomAD). The available evidence is insufficient to determine the role of this variant in disease conclusively. Therefore, this variant is classified as a Variant of Uncertain Significance.